The following is an entry in ClinVar:

ClinVar aggregate classification (germline): Uncertain significance (1 of 4 stars; one submission).

Conditions:
Inborn genetic diseases. Identifiers: MedGen C0950123, MeSH D030342.

Submission:

Ambry Genetics
Classification: Uncertain significance for Inborn genetic diseases. Last evaluated: 2025-06-19. Review status: criteria provided, single submitter. Criteria: Ambry Variant Classification Scheme 2023. Collection method: clinical testing. Allele origin: germline.
Comment: The p.C1223F variant (also known as c.3668G>T), located in coding exon 14 of the FANCM gene, results from a G to T substitution at nucleotide position 3668. The cysteine at codon 1223 is replaced by phenylalanine, an amino acid with highly dissimilar properties. This amino acid position is conserved. In addition, this alteration is predicted to be tolerated by in silico analysis. Based on the available evidence, the clinical significance of this variant remains unclear.

NM_020937.4(FANCM):c.3668G>T (p.Cys1223Phe)

Gene: FANCM (FA complementation group M; plus strand). Cytogenetic location: 14q21.2.
Variant type: single nucleotide variant.
Coding change: c.3668G>T on transcript NM_020937.4 (MANE Select); coding-DNA position 3668, G replaced by T.
Protein change: p.Cys1223Phe; replaces cysteine 1223 with phenylalanine.
Molecular consequence: missense variant.
Genome position (GRCh38, 1-based): chr14:45,176,422, G>T. VCF-style: chr14-45176422-G-T. GRCh37 (hg19) VCF-style: chr14-45645625-G-T.
Other names: c.3590G>T, p.Cys1197Phe (NM_001308133.2); short protein forms C1223F, C1197F.
Identifiers: ClinVar variation 4254525 (VCV004254525.1).